The following is an entry in ClinVar:

NM_144997.7(FLCN):c.1639G>T (p.Val547Phe)

Gene: FLCN (folliculin; minus strand). Cytogenetic location: 17p11.2.
Variant type: single nucleotide variant.
Coding change: c.1639G>T on transcript NM_144997.7 (MANE Select); coding-DNA position 1639, G replaced by T.
Protein change: p.Val547Phe; replaces valine 547 with phenylalanine.
Molecular consequence: missense variant.
Genome position (GRCh38, 1-based): chr17:17,213,756, C>A on the plus strand (G>T on the coding strand, the complement: FLCN is on the minus strand). VCF-style: chr17-17213756-C-A. GRCh37 (hg19) VCF-style: chr17-17117070-C-A.
Other names: c.1639G>T (NM_144997.5); c.1693G>T, p.Val565Phe (NM_001353229.2); c.1639G>T, p.Val547Phe (NM_001353230.2, NM_001353231.2); short protein forms V565F, V547F.
Identifiers: ClinVar variation 1400006 (VCV001400006.7), dbSNP rs1249630904, ClinGen allele CA398529958.
Genomic context (GRCh38, chr17:17,213,756, plus strand): 5'-ACATGAGGTGTGACTTGTAGGTCTTGCTCAGGCCAGTCATCCAGAACTTCAGCAGCTTGA[C>A]ATTGTCCTCCTCGGACGCACCCAGGATGCTCAGCAGCTTCTGTGTGTCCTCTTTGGGTCG-3'
Protein context (NP_659434.2, residues 537-557): SILGASEEDN[Val547Phe]KLLKFWMTGL

ClinVar aggregate classification (germline): Uncertain significance. Review status: criteria provided, multiple submitters, no conflicts (2 of 4 stars). 2 submissions from 2 submitters: Uncertain significance (2). Last evaluated 2024-04-26.

Conditions:
Hereditary cancer-predisposing syndrome. Also called: Neoplastic Syndromes, Hereditary; Hereditary neoplastic syndrome; Hereditary Cancer Syndrome; Tumor predisposition. Identifiers: Orphanet 140162, MedGen C0027672, MeSH D009386, MONDO:0015356.
Birt-Hogg-Dube syndrome. Also called: Birt Hogg Dubé syndrome. Identifiers: Orphanet 122, MedGen C0346010, MONDO:0800444.

Submissions (2):

Ambry Genetics
Classification: Uncertain significance for Hereditary cancer-predisposing syndrome. Last evaluated: 2024-04-26. Review status: criteria provided, single submitter. Criteria: Ambry Variant Classification Scheme 2023. Collection method: clinical testing. Allele origin: germline.
Comment: The p.V547F variant (also known as c.1639G>T), located in coding exon 11 of the FLCN gene, results from a G to T substitution at nucleotide position 1639. The valine at codon 547 is replaced by phenylalanine, an amino acid with highly similar properties. This amino acid position is conserved. In addition, this alteration is predicted to be deleterious by in silico analysis. Based on the available evidence, the clinical significance of this variant remains unclear.

Labcorp Genetics (formerly Invitae), Labcorp
Classification: Uncertain significance for Birt-Hogg-Dube syndrome. Last evaluated: 2021-10-21. Review status: criteria provided, single submitter. Criteria: Invitae Variant Classification Sherloc (09022015). Collection method: clinical testing. Allele origin: germline.
Comment: This sequence change replaces valine with phenylalanine at codon 547 of the FLCN protein (p.Val547Phe). The valine residue is moderately conserved and there is a small physicochemical difference between valine and phenylalanine. This variant is not present in population databases (ExAC no frequency). This variant has not been reported in the literature in individuals affected with FLCN-related conditions. Algorithms developed to predict the effect of missense changes on protein structure and function (SIFT, PolyPhen-2, Align-GVGD) all suggest that this variant is likely to be tolerated. In summary, the available evidence is currently insufficient to determine the role of this variant in disease. Therefore, it has been classified as a Variant of Uncertain Significance.